The following is an entry in ClinVar:

ClinVar aggregate classification (germline): Uncertain significance (1 of 4 stars; one submission).

Conditions:
Ichthyosis linearis circumflexa. Identifiers: MedGen C0265962, MONDO:0043106, HP:0025810.

Allele frequency attached by ClinVar (database versions not stated): gnomAD exomes below 0.00001.
gnomAD v4.1: 1 of 1,611,470 alleles (0.000062%); highest among the groups gnomAD compares: Non-Finnish European, 0.000085%; no homozygotes.

Submission:

Labcorp Genetics (formerly Invitae), Labcorp
Classification: Uncertain significance for Ichthyosis linearis circumflexa. Last evaluated: 2022-07-19. Review status: criteria provided, single submitter. Criteria: Invitae Variant Classification Sherloc (09022015). Collection method: clinical testing. Allele origin: germline.
Comment: In summary, the available evidence is currently insufficient to determine the role of this variant in disease. Therefore, it has been classified as a Variant of Uncertain Significance. Algorithms developed to predict the effect of sequence changes on RNA splicing suggest that this variant may create or strengthen a splice site. Algorithms developed to predict the effect of missense changes on protein structure and function are either unavailable or do not agree on the potential impact of this missense change (SIFT: "Deleterious"; PolyPhen-2: "Possibly Damaging"; Align-GVGD: "Class C0"). ClinVar contains an entry for this variant (Variation ID: 1466009). This variant has not been reported in the literature in individuals affected with SPINK5-related conditions. This variant is not present in population databases (gnomAD no frequency). This sequence change replaces glutamic acid, which is acidic and polar, with glutamine, which is neutral and polar, at codon 365 of the SPINK5 protein (p.Glu365Gln).

NM_006846.4(SPINK5):c.1093G>C (p.Glu365Gln)

Gene: SPINK5 (serine peptidase inhibitor Kazal type 5; plus strand). Cytogenetic location: 5q32.
Variant type: single nucleotide variant.
Coding change: c.1093G>C on transcript NM_006846.4 (MANE Select); coding-DNA position 1093, G replaced by C.
Protein change: p.Glu365Gln; replaces glutamic acid 365 with glutamine.
Molecular consequence: missense variant.
Genome position (GRCh38, 1-based): chr5:148,100,454, G>C. VCF-style: chr5-148100454-G-C. GRCh37 (hg19) VCF-style: chr5-147480017-G-C.
Other names: c.1093G>C, p.Glu365Gln (NM_001127698.2, NM_001127699.2); short protein forms E365Q.
Identifiers: ClinVar variation 1466009 (VCV001466009.8), dbSNP rs2113116400, ClinGen allele CA361636006.